The following is an entry in ClinVar:

ClinVar aggregate classification (germline): Uncertain significance (1 of 4 stars; one submission).

Conditions:
Nemaline myopathy 2 (NEM2). Also called: Nemaline myopathy 2, autosomal recessive. Identifiers: MedGen C1850569, MONDO:0009725, OMIM 256030.

Submission:

Labcorp Genetics (formerly Invitae), Labcorp
Classification: Uncertain significance for Nemaline myopathy 2. Last evaluated: 2021-08-18. Review status: criteria provided, single submitter. Criteria: Invitae Variant Classification Sherloc (09022015). Collection method: clinical testing. Allele origin: germline.
Comment: This sequence change replaces aspartic acid with tyrosine at codon 2864 of the NEB protein (p.Asp2864Tyr). The aspartic acid residue is moderately conserved and there is a large physicochemical difference between aspartic acid and tyrosine. This variant is not present in population databases (ExAC no frequency). This variant has not been reported in the literature in individuals affected with NEB-related conditions. Algorithms developed to predict the effect of missense changes on protein structure and function are either unavailable or do not agree on the potential impact of this missense change (SIFT: "Deleterious"; PolyPhen-2: "Not Available"; Align-GVGD: "Class C0"). In summary, the available evidence is currently insufficient to determine the role of this variant in disease. Therefore, it has been classified as a Variant of Uncertain Significance.

NM_001164508.2(NEB):c.8590G>T (p.Asp2864Tyr)

Gene: NEB (nebulin; minus strand). Cytogenetic location: 2q23.3.
Variant type: single nucleotide variant.
Coding change: c.8590G>T on transcript NM_001164508.2 (MANE Select); coding-DNA position 8590, G replaced by T.
Protein change: p.Asp2864Tyr; replaces aspartic acid 2864 with tyrosine.
Molecular consequence: missense variant.
Genome position (GRCh38, 1-based): chr2:151,640,450, C>A on the plus strand (G>T on the coding strand, the complement: NEB is on the minus strand). VCF-style: chr2-151640450-C-A. GRCh37 (hg19) VCF-style: chr2-152496964-C-A.
Other names: c.8590G>T, p.Asp2864Tyr (NM_001164507.2, NM_001271208.2, NM_004543.5); short protein forms D2864Y.
Identifiers: ClinVar variation 1965825 (VCV001965825.2), dbSNP rs756745218, ClinGen allele CA348809994.